The following is an entry in ClinVar:

NM_181783.4(TMTC3):c.89T>C (p.Phe30Ser)

Gene: TMTC3 (transmembrane O-mannosyltransferase targeting cadherins 3; plus strand). Cytogenetic location: 12q21.32.
Variant type: single nucleotide variant.
Coding change: c.89T>C on transcript NM_181783.4 (MANE Select); coding-DNA position 89, T replaced by C.
Protein change: p.Phe30Ser; replaces phenylalanine 30 with serine.
Molecular consequence: missense variant. On other transcripts: non-coding transcript variant (1), intron variant (3).
Genome position (GRCh38, 1-based): chr12:88,148,404, T>C. VCF-style: chr12-88148404-T-C. GRCh37 (hg19) VCF-style: chr12-88542181-T-C.
Other names: c.89T>C, p.Phe30Ser (NM_001366579.1); c.-77-15T>C (NM_001366574.1); c.-78-4887T>C (NM_001366580.1); c.-285-5884T>C (NM_001366583.1); short protein forms F30S.
Identifiers: ClinVar variation 1943412 (VCV001943412.5), dbSNP rs2040901484, ClinGen allele CA385992295.
Genomic context (GRCh38, chr12:88,148,404, plus strand): 5'-CCTTAATAGTAGGTGTGGTTACTGCCTGCTATTGGAACAGCCTCTTTTGTGGTTTTGTTT[T>C]TGATGATGTTTCAGCAATACTGGATAACAAAGACTTGCATCCATCTACACCTTTAAAAAC-3'
Protein context (NP_861448.2, residues 20-40): YWNSLFCGFV[Phe30Ser]DDVSAILDNK

ClinVar aggregate classification (germline): Uncertain significance (1 of 4 stars; one submission).

Allele frequency attached by ClinVar (database versions not stated): gnomAD exomes below 0.00001.
gnomAD v4.1: 3 of 1,613,702 alleles (0.00019%); highest among the groups gnomAD compares: Non-Finnish European, 0.000085%; no homozygotes.

Submission:

Labcorp Genetics (formerly Invitae), Labcorp
Classification: Uncertain significance. Last evaluated: 2022-06-07. Review status: criteria provided, single submitter. Criteria: Invitae Variant Classification Sherloc (09022015). Collection method: clinical testing. Allele origin: germline.
Comment: Algorithms developed to predict the effect of missense changes on protein structure and function are either unavailable or do not agree on the potential impact of this missense change (SIFT: "Deleterious"; PolyPhen-2: "Probably Damaging"; Align-GVGD: "Class C0"). This variant has not been reported in the literature in individuals affected with TMTC3-related conditions. This variant is not present in population databases (gnomAD no frequency). This sequence change replaces phenylalanine, which is neutral and non-polar, with serine, which is neutral and polar, at codon 30 of the TMTC3 protein (p.Phe30Ser). In summary, the available evidence is currently insufficient to determine the role of this variant in disease. Therefore, it has been classified as a Variant of Uncertain Significance.